The following is an entry in ClinVar:

ClinVar aggregate classification (germline): Uncertain significance. Review status: criteria provided, multiple submitters, no conflicts (2 of 4 stars). 4 submissions from 4 submitters: Uncertain significance (4). Last evaluated 2025-12-15.

Conditions:
RYR1-related disorder. Also called: RYR1-related disorders; RYR1-related condition. Identifiers: MedGen CN239331.
Malignant hyperthermia, susceptibility to, 1 (MHS1). Also called: Malignant hyperthermia suceptibility 1; RYR1-Related Malignant Hyperthermia Susceptibility; Anesthesia related hyperthermia; Malignant hyperpyrexia; Fulminating hyperpyrexia; Pharmacogenic myopathy. Identifiers: Orphanet 423, MedGen C2930980, MONDO:0007783, OMIM 145600.

Allele frequency attached by ClinVar (database versions not stated): gnomAD exomes below 0.00001; ExAC 0.00001; gnomAD 0.00001; TOPMed 0.00001.
gnomAD v4.1: 4 of 1,614,044 alleles (0.00025%); highest among the groups gnomAD compares: Non-Finnish European, 0.00034%; no homozygotes.

Submissions (4):

Labcorp Genetics (formerly Invitae), Labcorp
Classification: Uncertain significance for RYR1-related disorder. Last evaluated: 2025-12-15. Review status: criteria provided, single submitter. Criteria: Invitae Variant Classification Sherloc (09022015). Collection method: clinical testing. Allele origin: germline.
Comment: This sequence change replaces lysine, which is basic and polar, with arginine, which is basic and polar, at codon 3114 of the RYR1 protein (p.Lys3114Arg). This variant is present in population databases (rs752290068, gnomAD 0.003%). This variant has not been reported in the literature in individuals affected with RYR1-related conditions. ClinVar contains an entry for this variant (Variation ID: 575486). Invitae Evidence Modeling of protein sequence and biophysical properties (such as structural, functional, and spatial information, amino acid conservation, physicochemical variation, residue mobility, and thermodynamic stability) indicates that this missense variant is not expected to disrupt RYR1 protein function with a negative predictive value of 80%. In summary, the available evidence is currently insufficient to determine the role of this variant in disease. Therefore, it has been classified as a Variant of Uncertain Significance.

All of Us Research Program, National Institutes of Health
Classification: Uncertain significance for Malignant hyperthermia, susceptibility to, 1. Last evaluated: 2023-12-18. Review status: criteria provided, single submitter. Criteria: ACMG Guidelines, 2015. Collection method: clinical testing. Allele origin: germline. Inheritance: Autosomal dominant inheritance. Observed: 1 variant allele, 1 heterozygote.
Comment: This missense variant replaces lysine with arginine at codon 3114 of the RYR1 protein. Computational prediction suggests that this variant may not impact protein structure and function (internally defined REVEL score threshold <= 0.5, PMID: 27666373). To our knowledge, functional studies have not been reported for this variant. This variant has not been reported in individuals affected with RYR1-related disorders in the literature. This variant has been identified in 2/282592 chromosomes in the general population by the Genome Aggregation Database (gnomAD). The available evidence is insufficient to determine the role of this variant in disease conclusively. Therefore, this variant is classified as a Variant of Uncertain Significance.

This study involves interpretation of variants in research participants for the purpose of population health screening. Participant phenotype was not available at the time of variant classification. Additional details can be found in publication PMID: 35346344, PMCID: PMC8962531

GeneDx
Classification: Uncertain significance. Last evaluated: 2021-06-04. Review status: criteria provided, single submitter. Criteria: GeneDx Variant Classification Process June 2021. Collection method: clinical testing. Allele origin: germline. Affected: yes.
Comment: Not observed at significant frequency in large population cohorts (Lek et al., 2016); In silico analysis, which includes protein predictors and evolutionary conservation, supports that this variant does not alter protein structure/function; Has not been previously published as pathogenic or benign to our knowledge; This variant is associated with the following publications: (PMID: 12668474, 27535533)

Revvity Omics, Revvity
Classification: Uncertain significance. Last evaluated: 2021-05-21. Review status: criteria provided, single submitter. Criteria: ACMG Guidelines, 2015. Collection method: clinical testing. Allele origin: germline.

NM_000540.3(RYR1):c.9341A>G (p.Lys3114Arg)

Gene: RYR1 (ryanodine receptor 1; plus strand). Cytogenetic location: 19q13.2.
Variant type: single nucleotide variant.
Coding change: c.9341A>G on transcript NM_000540.3 (MANE Select); coding-DNA position 9341, A replaced by G.
Protein change: p.Lys3114Arg; replaces lysine 3114 with arginine.
Molecular consequence: missense variant.
Genome position (GRCh38, 1-based): chr19:38,512,352, A>G. VCF-style: chr19-38512352-A-G. GRCh37 (hg19) VCF-style: chr19-39002992-A-G.
Other names: c.9341A>G, p.Lys3114Arg (NM_001042723.2); short protein forms K3114R.
Identifiers: ClinVar variation 575486 (VCV000575486.15), dbSNP rs752290068, ClinGen allele CA073498.